The following is an entry in ClinVar:

NM_001830.4(CLCN4):c.853T>C (p.Tyr285His)

Gene: CLCN4 (chloride voltage-gated channel 4; plus strand). Cytogenetic location: Xp22.2.
Variant type: single nucleotide variant.
Coding change: c.853T>C on transcript NM_001830.4 (MANE Select); coding-DNA position 853, T replaced by C.
Protein change: p.Tyr285His; replaces tyrosine 285 with histidine.
Molecular consequence: missense variant.
Genome position (GRCh38, 1-based): chrX:10,208,054, T>C. VCF-style: chrX-10208054-T-C. GRCh37 (hg19) VCF-style: chrX-10176094-T-C.
Other names: c.571T>C, p.Tyr191His (NM_001256944.2); short protein forms Y285H, Y191H.
Identifiers: ClinVar variation 1392910 (VCV001392910.6), dbSNP rs2147179483, ClinGen allele CA412037303.

ClinVar aggregate classification (germline): Uncertain significance (1 of 4 stars; one submission).

Submission:

Labcorp Genetics (formerly Invitae), Labcorp
Classification: Uncertain significance. Last evaluated: 2022-09-27. Review status: criteria provided, single submitter. Criteria: Invitae Variant Classification Sherloc (09022015). Collection method: clinical testing. Allele origin: germline.
Comment: In summary, the available evidence is currently insufficient to determine the role of this variant in disease. Therefore, it has been classified as a Variant of Uncertain Significance. Advanced modeling of protein sequence and biophysical properties (such as structural, functional, and spatial information, amino acid conservation, physicochemical variation, residue mobility, and thermodynamic stability) performed at Invitae indicates that this missense variant is expected to disrupt CLCN4 protein function. ClinVar contains an entry for this variant (Variation ID: 1392910). This variant has not been reported in the literature in individuals affected with CLCN4-related conditions. This variant is not present in population databases (gnomAD no frequency). This sequence change replaces tyrosine, which is neutral and polar, with histidine, which is basic and polar, at codon 285 of the CLCN4 protein (p.Tyr285His).